The following is an entry in ClinVar:

NC_000016.9:g.(?_89619367)_(89619563_?)del

Gene: SPG7 (SPG7 matrix AAA peptidase subunit, paraplegin; plus strand). Cytogenetic location: 16q24.3.
Variant type: Deletion.
Identifiers: ClinVar variation 3243424 (VCV003243424.1).

ClinVar aggregate classification (germline): Pathogenic (1 of 4 stars; one submission).

Conditions:
Hereditary spastic paraplegia 7 (SPG7). Also called: Autosomal recessive spastic paraplegia type 7; SPASTIC PARAPLEGIA 7, AUTOSOMAL RECESSIVE, WITH OR WITHOUT CEREBELLAR ATAXIA; Spastic paraplegia 7; Hereditary spastic paraplegia Paraplegin type; SPG7-related neurologic disorder. Identifiers: Orphanet 99013, MedGen C1846564, MONDO:0011803, OMIM 607259.

Submission:

Labcorp Genetics (formerly Invitae), Labcorp
Classification: Pathogenic for Hereditary spastic paraplegia 7. Last evaluated: 2023-03-26. Review status: criteria provided, single submitter. Criteria: Invitae Variant Classification Sherloc (09022015). Collection method: clinical testing. Allele origin: unknown.
Comment: For these reasons, this variant has been classified as Pathogenic. This variant has not been reported in the literature in individuals affected with SPG7-related conditions. This variant is a gross deletion of the genomic region encompassing exon(s) 14 of the SPG7 gene. This deletion is out-of-frame, and is expected to create a premature termination codon and result in an absent or disrupted protein product. Loss-of-function variants in SPG7 are known to be pathogenic (PMID: 21623769, 22964162).

Literature cited by the submitters: PubMed 21623769; PubMed 22964162.